The following is an entry in ClinVar:

ClinVar aggregate classification (germline): Uncertain significance (1 of 4 stars; one submission).

Submission:

Labcorp Genetics (formerly Invitae), Labcorp
Classification: Uncertain significance. Last evaluated: 2023-08-10. Review status: criteria provided, single submitter. Criteria: Invitae Variant Classification Sherloc (09022015). Collection method: clinical testing. Allele origin: germline.
Comment: In summary, the available evidence is currently insufficient to determine the role of this variant in disease. Therefore, it has been classified as a Variant of Uncertain Significance. Advanced modeling of protein sequence and biophysical properties (such as structural, functional, and spatial information, amino acid conservation, physicochemical variation, residue mobility, and thermodynamic stability) performed at Invitae indicates that this missense variant is not expected to disrupt POLE protein function. ClinVar contains an entry for this variant (Variation ID: 1995040). This variant has not been reported in the literature in individuals affected with POLE-related conditions. This variant is not present in population databases (gnomAD no frequency). This sequence change replaces alanine, which is neutral and non-polar, with serine, which is neutral and polar, at codon 1260 of the POLE protein (p.Ala1260Ser).

NM_006231.4(POLE):c.3778G>T (p.Ala1260Ser)

Gene: POLE (DNA polymerase epsilon, catalytic subunit; minus strand). Cytogenetic location: 12q24.33.
Variant type: single nucleotide variant.
Coding change: c.3778G>T on transcript NM_006231.4 (MANE Select); coding-DNA position 3778, G replaced by T.
Protein change: p.Ala1260Ser; replaces alanine 1260 with serine.
Molecular consequence: missense variant.
Genome position (GRCh38, 1-based): chr12:132,649,694, C>A on the plus strand (G>T on the coding strand, the complement: POLE is on the minus strand). VCF-style: chr12-132649694-C-A. GRCh37 (hg19) VCF-style: chr12-133226280-C-A.
Other names: short protein forms A1260S.
Identifiers: ClinVar variation 1995040 (VCV001995040.4), dbSNP rs143858927, ClinGen allele CA387385961.